The following is an entry in ClinVar:

NM_000059.4(BRCA2):c.2995C>G (p.Pro999Ala)

Gene: BRCA2 (BRCA2 DNA repair associated; plus strand). Cytogenetic location: 13q13.1.
Variant type: single nucleotide variant.
Coding change: c.2995C>G on transcript NM_000059.4 (MANE Select); coding-DNA position 2995, C replaced by G.
Protein change: p.Pro999Ala; replaces proline 999 with alanine.
Molecular consequence: missense variant.
Genome position (GRCh38, 1-based): chr13:32,337,350, C>G. VCF-style: chr13-32337350-C-G. GRCh37 (hg19) VCF-style: chr13-32911487-C-G.
Other names: c.2995C>G (NM_000059.3); short protein forms P999A.
Identifiers: ClinVar variation 1392825 (VCV001392825.8), dbSNP rs2137492059, ClinGen allele CA387774637.

ClinVar aggregate classification (germline): Conflicting classifications of pathogenicity. Review status: criteria provided, conflicting classifications (1 of 4 stars). 3 submissions from 3 submitters: Uncertain significance (1); Likely benign (2). Last evaluated 2026-06-05.

Conditions:
Hereditary cancer-predisposing syndrome. Also called: Neoplastic Syndromes, Hereditary; Tumor predisposition; Hereditary Cancer Syndrome; Hereditary neoplastic syndrome. Identifiers: Orphanet 140162, MedGen C0027672, MeSH D009386, MONDO:0015356.
Hereditary breast ovarian cancer syndrome. Also called: Hereditary breast and ovarian cancer; Hereditary breast and ovarian cancer syndrome; Hereditary breast and ovarian cancer syndrome (HBOC); BRCA1- and BRCA2-Associated Hereditary Breast and Ovarian Cancer; Breast and ovarian cancer; Hereditary breast and/or ovarian cancer syndrome. Identifiers: Orphanet 145, MedGen C0677776, MeSH D061325, MONDO:0003582. Disease mechanism: loss of function.

Submissions (3):

Ambry Genetics
Classification: Likely benign for Hereditary cancer-predisposing syndrome. Last evaluated: 2026-06-05. Review status: criteria provided, single submitter. Criteria: Ambry Variant Classification Scheme 2023. Collection method: clinical testing. Allele origin: germline.

University of Washington Department of Laboratory Medicine, University of Washington
Classification: Likely benign for Hereditary cancer-predisposing syndrome. Last evaluated: 2023-03-23. Review status: criteria provided, single submitter. Criteria: Dines et al. (Genet Med. 2020). Collection method: curation. Allele origin: germline.
Comment: Missense variant in a coldspot region where missense variants are very unlikely to be pathogenic (PMID:31911673).

BRCA2 exon 11 coldspot. Reclassification based on statistical prior probability.

Labcorp Genetics (formerly Invitae), Labcorp
Classification: Uncertain significance for Hereditary breast ovarian cancer syndrome. Last evaluated: 2021-11-12. Review status: criteria provided, single submitter. Criteria: Invitae Variant Classification Sherloc (09022015). Collection method: clinical testing. Allele origin: germline.
Comment: In summary, the available evidence is currently insufficient to determine the role of this variant in disease. Therefore, it has been classified as a Variant of Uncertain Significance. Advanced modeling of protein sequence and biophysical properties (such as structural, functional, and spatial information, amino acid conservation, physicochemical variation, residue mobility, and thermodynamic stability) performed at Invitae indicates that this missense variant is not expected to disrupt BRCA2 protein function. This variant has not been reported in the literature in individuals affected with BRCA2-related conditions. This variant is not present in population databases (gnomAD no frequency). This sequence change replaces proline, which is neutral and non-polar, with alanine, which is neutral and non-polar, at codon 999 of the BRCA2 protein (p.Pro999Ala).